The following is an entry in ClinVar:

ClinVar aggregate classification (germline): Pathogenic/Likely pathogenic. Review status: criteria provided, multiple submitters, no conflicts (2 of 4 stars). 7 submissions from 7 submitters: Pathogenic (1); Likely pathogenic (5). 1 of the submissions does not count toward it. Last evaluated 2026-02-23.

Conditions:
Paediatric disorders.
TMEM138-related disorder. Also called: TMEM138-related condition.
Joubert syndrome 16 (JBTS16). Identifiers: Orphanet 2318, MedGen C3280906, MONDO:0013764, OMIM 614465.

Allele frequency attached by ClinVar (database versions not stated): gnomAD 0.00001 and below 0.00001; TOPMed 0.00001; gnomAD exomes 0.00002; ExAC 0.00003.

Submissions (7):

North West Genomic Laboratory Hub, Manchester University NHS Foundation Trust
Classification: Likely pathogenic for Paediatric disorders. Last evaluated: 2026-02-23. Review status: criteria provided, single submitter. Criteria: ACGS Best Practice Guidelines for Variant Classification in Rare Disease 2024. Collection method: clinical testing. Allele origin: germline. Affected: yes.
Comment: PP4_Supp PM2_Mod PM3_Mod PP3_Supp

Labcorp Genetics (formerly Invitae), Labcorp
Classification: Pathogenic for Joubert syndrome 16. Last evaluated: 2025-05-08. Review status: criteria provided, single submitter. Criteria: Invitae Variant Classification Sherloc (09022015). Collection method: clinical testing. Allele origin: germline.
Comment: This sequence change replaces histidine, which is basic and polar, with arginine, which is basic and polar, at codon 96 of the TMEM138 protein (p.His96Arg). This variant is present in population databases (rs387907132, gnomAD 0.02%). This missense change has been observed in individual(s) with Joubert syndrome (PMID: 22282472). It has also been observed to segregate with disease in related individuals. ClinVar contains an entry for this variant (Variation ID: 31188). An algorithm developed to predict the effect of missense changes on protein structure and function (PolyPhen-2) suggests that this variant is likely to be disruptive. Experimental studies have shown that this missense change affects TMEM138 function (PMID: 22282472). For these reasons, this variant has been classified as Pathogenic.

Blueprint Genetics
Classification: Likely pathogenic for TMEM138-related disorders. Last evaluated: 2024-08-13. Review status: criteria provided, single submitter. Criteria: ACMG Guidelines, 2015. Collection method: clinical testing. Allele origin: germline. Affected: yes. Observed: 2 variant alleles.

Revvity Omics, Revvity
Classification: Likely pathogenic for Joubert syndrome 16. Last evaluated: 2023-03-14. Review status: criteria provided, single submitter. Criteria: ACMG Guidelines, 2015. Collection method: clinical testing. Allele origin: germline.

Foundation for Research in Genetics and Endocrinology, FRIGE's Institute of Human Genetics
Classification: Likely pathogenic for Joubert syndrome 16. Last evaluated: 2020-09-14. Review status: criteria provided, single submitter. Criteria: ACMG Guidelines, 2015. Collection method: clinical testing. Allele origin: germline. Inheritance: Autosomal recessive inheritance. Affected: yes. Observed: 1 homozygote.
Comment: A homozygous missense variation in exon 3 of the TMEM138 gene that results in the amino acid substitution of Arginine for Histidine at codon 96 was detected. The observed variant c.287A>G (p.His96Arg) lies in the transmembrane protein 138 domain of the TMEM138 protein and has previously been reported in patients affected with Joubert syndrome (Lee et al. 2012). The variant is classified as likely pathogenic in ClinVar database. The variant has not been reported in the 1000 genomes and has a minor allele frequency of 0.002% in the gnomAD database. The in silico predictions of the variant are probably damaging by PolyPhen-2 (HumDiv) and damaging by SIFT, LRT and MutationTaster2. The reference codon is conserved across species. In summary, the variant meets our criteria to be classified as likely pathogenic.

GeneDx
Classification: Likely pathogenic. Last evaluated: 2017-07-21. Review status: criteria provided, single submitter. Criteria: GeneDx Variant Classification (06012015). Collection method: clinical testing. Allele origin: germline. Affected: yes.
Comment: A published H96R variant that is likely pathogenic has been identified in the TMEM138 gene. The H96R variant has been reported previous in association with Joubert syndrome and related disorders (JSRD) (Lee et al., 2012; Szymanska et al., 2012). Funcational studies suggest that the H96R variant results in an unstable protein (Lee et al., 2012). The H96R variant was not observed in approximately 6,500 individuals of European and African American ancestry in the NHLBI Exome Sequencing Project, indicating it is not a common benign variant in these populations. This substitution occurs at a position that is conserved across species. In silico analysis predicts this variant is probably damaging to the protein structure/function. However, the H96R variant is a conservative amino acid substitution, which is not likely to impact secondary protein structure as these residues share similar properties. Therefore, this variant is likely pathogenic; however, the possibility that it is benign cannot be excluded.

OMIM
Classification: Pathogenic for JOUBERT SYNDROME 16. Last evaluated: 2012-02-24. Review status: no assertion criteria provided. Collection method: literature only. Allele origin: germline. Not counted in ClinVar's aggregate classification.

Literature cited by the submitters: PubMed 22282472 (cited by Labcorp Genetics (formerly Invitae), Labcorp and OMIM).

NM_016464.5(TMEM138):c.287A>G (p.His96Arg)

Gene: TMEM138 (transmembrane protein 138; plus strand). Cytogenetic location: 11q12.2.
Variant type: single nucleotide variant.
Coding change: c.287A>G on transcript NM_016464.5 (MANE Select); coding-DNA position 287, A replaced by G.
Protein change: p.His96Arg; replaces histidine 96 with arginine.
Molecular consequence: missense variant. On other transcripts: non-coding transcript variant (1).
Genome position (GRCh38, 1-based): chr11:61,366,203, A>G. VCF-style: chr11-61366203-A-G. GRCh37 (hg19) VCF-style: chr11-61133675-A-G.
Other names: c.113A>G, p.His38Arg (NM_001330281.2); short protein forms H96R, H38R.
Identifiers: ClinVar variation 31188 (VCV000031188.13), dbSNP rs387907132, ClinGen allele CA260009.